The following is an entry in ClinVar:

NM_006015.6(ARID1A):c.6586C>T (p.Leu2196=)

Gene: ARID1A (AT-rich interaction domain 1A; plus strand). Cytogenetic location: 1p36.11.
Variant type: single nucleotide variant.
Coding change: c.6586C>T on transcript NM_006015.6 (MANE Select); coding-DNA position 6586, C replaced by T.
Protein change: p.Leu2196=; no amino-acid change (leucine 2196 retained).
Molecular consequence: synonymous variant.
Genome position (GRCh38, 1-based): chr1:26,780,484, C>T. VCF-style: chr1-26780484-C-T. GRCh37 (hg19) VCF-style: chr1-27106975-C-T.
Other names: c.6586C>T (LRG_875t1); c.5935C>T, p.Leu1979= (NM_139135.4).
Identifiers: ClinVar variation 210262 (VCV000210262.47), dbSNP rs149633292, ClinGen allele CA206992.

ClinVar aggregate classification (germline): Benign/Likely benign. Review status: criteria provided, multiple submitters, no conflicts (2 of 4 stars). 7 submissions from 7 submitters: Benign (4); Likely benign (3). Last evaluated 2026-09-01.

Conditions:
Intellectual disability, autosomal dominant 14 (CSS2). Also called: COFFIN-SIRIS SYNDROME 2. Identifiers: Orphanet 1465, MedGen C3553247, MONDO:0013819, OMIM 614607.

Allele frequency attached by ClinVar (database versions not stated): 1000 Genomes Project 30x 0.00125; 1000 Genomes Project 0.00160; TOPMed 0.00194; ESP Exome Variant Server 0.00361; gnomAD exomes 0.00428 and 0.00512; gnomAD 0.00446 and 0.00468; ExAC 0.00511.

Submissions (7):

CeGaT Center for Human Genetics Tuebingen
Classification: Benign. Last evaluated: 2026-09-01. Review status: criteria provided, single submitter. Criteria: CeGaT Center For Human Genetics Tuebingen Variant Classification Criteria Version 2. Collection method: clinical testing. Allele origin: germline. Affected: yes. Observed: 26 variant alleles.
Comment: ARID1A: BP4, BS1, BS2

Labcorp Genetics (formerly Invitae), Labcorp
Classification: Benign. Last evaluated: 2026-02-03. Review status: criteria provided, single submitter. Criteria: Invitae Variant Classification Sherloc (09022015). Collection method: clinical testing. Allele origin: germline.

Fulgent Genetics
Classification: Likely benign for Intellectual disability, autosomal dominant 14. Last evaluated: 2021-12-30. Review status: criteria provided, single submitter. Criteria: ACMG Guidelines, 2015. Collection method: clinical testing. Allele origin: unknown.

Genome-Nilou Lab
Classification: Benign for Intellectual disability, autosomal dominant 14. Last evaluated: 2021-12-05. Review status: criteria provided, single submitter. Criteria: ACMG Guidelines, 2015. Collection method: clinical testing. Allele origin: germline. Affected: no.

GeneDx
Classification: Likely benign. Last evaluated: 2020-12-16. Review status: criteria provided, single submitter. Criteria: GeneDx Variant Classification Process June 2021. Collection method: clinical testing. Allele origin: germline. Affected: yes.

Genetic Services Laboratory, University of Chicago
Classification: Benign. Last evaluated: 2016-03-02. Review status: criteria provided, single submitter. Criteria: ACMG Guidelines, 2015. Collection method: clinical testing. Allele origin: germline. Affected: no.

Breakthrough Genomics
Classification: Likely benign. Review status: criteria provided, single submitter. Criteria: ACMG Guidelines, 2015. Collection method: not provided. Allele origin: germline. Inheritance: Autosomal dominant inheritance. Affected: yes.